The following is an entry in ClinVar:

NM_001161352.2(KCNMA1):c.2327G>T (p.Arg776Leu)

Genes: KCNMA1 (potassium calcium-activated channel subfamily M alpha 1; minus strand), KCNMA1-AS1 (KCNMA1 antisense RNA 1; plus strand). Cytogenetic location: 10q22.3.
Variant type: single nucleotide variant.
Coding change: c.2327G>T on transcript NM_001161352.2 (MANE Select); coding-DNA position 2327, G replaced by T.
Protein change: p.Arg776Leu; replaces arginine 776 with leucine.
Molecular consequence: missense variant.
Genome position (GRCh38, 1-based): chr10:76,970,007, C>A on the plus strand (G>T on the coding strand, the complement: KCNMA1 is on the minus strand). VCF-style: chr10-76970007-C-A. GRCh37 (hg19) VCF-style: chr10-78729765-C-A.
Other names: c.2165G>T, p.Arg722Leu (NM_001014797.3, NM_001322835.2, NM_001322837.2); c.2153G>T, p.Arg718Leu (NM_001161353.2, NM_001322832.2, NM_001410940.1 and 1 more transcripts); c.2003G>T, p.Arg668Leu (NM_001271518.2); c.2162G>T, p.Arg721Leu (NM_001271519.2, NM_001322829.2, NM_001322836.2); c.2174G>T, p.Arg725Leu (NM_001322830.2); c.1700G>T, p.Arg567Leu (NM_001322838.2); short protein forms R567L, R668L, R718L, R721L, R722L, R725L, R776L.
Identifiers: ClinVar variation 2682535 (VCV002682535.1), dbSNP rs200676185, ClinGen allele CA5568128.

ClinVar aggregate classification (germline): Uncertain significance (1 of 4 stars; one submission).

gnomAD v4.1: 1 of 1,613,742 alleles (0.000062%); highest among the groups gnomAD compares: Non-Finnish European, 0.000085%; no homozygotes.

Submission:

Women's Health and Genetics/Laboratory Corporation of America, LabCorp
Classification: Uncertain significance. Last evaluated: 2023-11-15. Review status: criteria provided, single submitter. Criteria: LabCorp Variant Classification Summary - May 2015. Collection method: clinical testing. Allele origin: germline.
Comment: Variant summary: KCNMA1 c.2327G>T (p.Arg776Leu) results in a non-conservative amino acid change in the encoded protein sequence. Three of five in-silico tools predict a benign effect of the variant on protein function. The variant allele was found at a frequency of 4e-06 in 251472 control chromosomes (gnomAD). The available data on variant occurrences in the general population are insufficient to allow any conclusion about variant significance. To our knowledge, no occurrence of c.2327G>T in individuals affected with Paroxysmal Nonkinesigenic Dyskinesia, 3, With Or Without Generalized Epilepsy and no experimental evidence demonstrating its impact on protein function have been reported. No submitters have cited clinical-significance assessments for this variant to ClinVar after 2014. Based on the evidence outlined above, the variant was classified as uncertain significance.